The following is an entry in ClinVar:

ClinVar aggregate classification (germline): Uncertain significance (1 of 4 stars; one submission).

Conditions:
5-Oxoprolinase deficiency (OPLAHD). Also called: 5-OXOPROLINURIA DUE TO 5-OXOPROLINASE DEFICIENCY. Identifiers: Orphanet 33572, MedGen C0268525, MONDO:0009825, OMIM 260005, HP:0040142.

Allele frequency attached by ClinVar (database versions not stated): gnomAD 0.00001.
gnomAD v4.1: 1 of 1,602,294 alleles (0.000062%); highest among the groups gnomAD compares: East Asian, 0.0023%; no homozygotes.

Submission:

Labcorp Genetics (formerly Invitae), Labcorp
Classification: Uncertain significance for 5-Oxoprolinase deficiency. Last evaluated: 2022-07-03. Review status: criteria provided, single submitter. Criteria: Invitae Variant Classification Sherloc (09022015). Collection method: clinical testing. Allele origin: germline.
Comment: In summary, the available evidence is currently insufficient to determine the role of this variant in disease. Therefore, it has been classified as a Variant of Uncertain Significance. Experimental studies and prediction algorithms are not available or were not evaluated, and the functional significance of this variant is currently unknown. This variant has not been reported in the literature in individuals affected with OPLAH-related conditions. This variant is not present in population databases (gnomAD no frequency). This sequence change replaces proline, which is neutral and non-polar, with serine, which is neutral and polar, at codon 534 of the OPLAH protein (p.Pro534Ser).

NM_017570.5(OPLAH):c.1600C>T (p.Pro534Ser)

Gene: OPLAH (5-oxoprolinase, ATP-hydrolysing; minus strand). Cytogenetic location: 8q24.3.
Variant type: single nucleotide variant.
Coding change: c.1600C>T on transcript NM_017570.5 (MANE Select); coding-DNA position 1600, C replaced by T.
Protein change: p.Pro534Ser; replaces proline 534 with serine.
Molecular consequence: missense variant.
Genome position (GRCh38, 1-based): chr8:144,057,054, G>A on the plus strand (C>T on the coding strand, the complement: OPLAH is on the minus strand). VCF-style: chr8-144057054-G-A. GRCh37 (hg19) VCF-style: chr8-145111957-G-A.
Other names: short protein forms P534S.
Identifiers: ClinVar variation 2013418 (VCV002013418.4), dbSNP rs1193257365, ClinGen allele CA372560072.